The following is an entry in ClinVar:

ClinVar aggregate classification (germline): Uncertain significance (1 of 4 stars; one submission).

Submission:

Labcorp Genetics (formerly Invitae), Labcorp
Classification: Uncertain significance. Last evaluated: 2025-04-28. Review status: criteria provided, single submitter. Criteria: Invitae Variant Classification Sherloc (09022015). Collection method: clinical testing. Allele origin: germline.
Comment: This sequence change replaces isoleucine, which is neutral and non-polar, with methionine, which is neutral and non-polar, at codon 113 of the FOXL2 protein (p.Ile113Met). This variant is not present in population databases (gnomAD no frequency). This variant has not been reported in the literature in individuals affected with FOXL2-related conditions. ClinVar contains an entry for this variant (Variation ID: 3727247). An algorithm developed to predict the effect of missense changes on protein structure and function (PolyPhen-2) suggests that this variant is likely to be disruptive. In summary, the available evidence is currently insufficient to determine the role of this variant in disease. Therefore, it has been classified as a Variant of Uncertain Significance.

NM_023067.4(FOXL2):c.339C>G (p.Ile113Met)

Gene: FOXL2 (forkhead box L2; minus strand). Cytogenetic location: 3q22.3.
Variant type: single nucleotide variant.
Coding change: c.339C>G on transcript NM_023067.4 (MANE Select); coding-DNA position 339, C replaced by G.
Protein change: p.Ile113Met; replaces isoleucine 113 with methionine.
Molecular consequence: missense variant.
Genome position (GRCh38, 1-based): chr3:138,946,384, G>C on the plus strand (C>G on the coding strand, the complement: FOXL2 is on the minus strand). VCF-style: chr3-138946384-G-C. GRCh37 (hg19) VCF-style: chr3-138665226-G-C.
Other names: short protein forms I113M.
Identifiers: ClinVar variation 3727247 (VCV003727247.2).